The following is an entry in ClinVar:

ClinVar aggregate classification (germline): Uncertain significance. Review status: criteria provided, multiple submitters, no conflicts (2 of 4 stars). 2 submissions from 2 submitters: Uncertain significance (2). Last evaluated 2025-10-15.

Conditions:
Chédiak-Higashi syndrome (CHS). Also called: Chediak-Higashi Syndrome. Identifiers: Orphanet 167, MedGen C0007965, MONDO:0008963, OMIM 214500.

Allele frequency attached by ClinVar (database versions not stated): TOPMed 0.00001; gnomAD 0.00002; gnomAD exomes 0.00002; ExAC 0.00005.
gnomAD v4.1: 31 of 1,613,768 alleles (0.0019%); highest among the groups gnomAD compares: Admixed American, 0.012%; no homozygotes.

Submissions (2):

Mayo Clinic Laboratories, Mayo Clinic
Classification: Uncertain significance. Last evaluated: 2025-10-15. Review status: criteria provided, single submitter. Criteria: ACMG Guidelines, 2015. Collection method: clinical testing. Allele origin: germline. Observed: 1 variant allele.
Comment: BP4_moderate

Labcorp Genetics (formerly Invitae), Labcorp
Classification: Uncertain significance for Chédiak-Higashi syndrome. Last evaluated: 2022-07-19. Review status: criteria provided, single submitter. Criteria: Invitae Variant Classification Sherloc (09022015). Collection method: clinical testing. Allele origin: germline.
Comment: This sequence change replaces arginine, which is basic and polar, with glutamine, which is neutral and polar, at codon 2288 of the LYST protein (p.Arg2288Gln). This variant is present in population databases (rs772296728, gnomAD 0.01%). This variant has not been reported in the literature in individuals affected with LYST-related conditions. ClinVar contains an entry for this variant (Variation ID: 567178). Algorithms developed to predict the effect of missense changes on protein structure and function output the following: SIFT: "Tolerated"; PolyPhen-2: "Benign"; Align-GVGD: "Class C0". The glutamine amino acid residue is found in multiple mammalian species, which suggests that this missense change does not adversely affect protein function. In summary, the available evidence is currently insufficient to determine the role of this variant in disease. Therefore, it has been classified as a Variant of Uncertain Significance.

NM_000081.4(LYST):c.6863G>A (p.Arg2288Gln)

Gene: LYST (lysosomal trafficking regulator; minus strand). Cytogenetic location: 1q42.3.
Variant type: single nucleotide variant.
Coding change: c.6863G>A on transcript NM_000081.4 (MANE Select); coding-DNA position 6863, G replaced by A.
Protein change: p.Arg2288Gln; replaces arginine 2288 with glutamine.
Molecular consequence: missense variant.
Genome position (GRCh38, 1-based): chr1:235,758,990, C>T on the plus strand (G>A on the coding strand, the complement: LYST is on the minus strand). VCF-style: chr1-235758990-C-T. GRCh37 (hg19) VCF-style: chr1-235922290-C-T.
Other names: p.Arg2288Gln; c.6863G>A, p.Arg2288Gln (NM_001301365.1); short protein forms R2288Q.
Identifiers: ClinVar variation 567178 (VCV000567178.4), dbSNP rs772296728, ClinGen allele CA1466290.
Genomic context (GRCh38, chr1:235,758,990, plus strand): 5'-GTAAAATAAAGGTGGGAGGAGTGTACAAAAACACATAAGTACCTGTGAGCACTTGCAGTT[C>T]GGTTGTAATTTGGCTCATAACCAAGAGAATAGGCAAAGTTTTCCCAATCATCAGTGTTTC-3'
Protein context (NP_000072.2, residues 2278-2298): YSLGYEPNYN[Arg2288Gln]TASAHSVTED